The following is an entry in ClinVar:

NM_181552.4(CUX1):c.623G>A (p.Arg208Gln)

Gene: CUX1 (cut like homeobox 1; plus strand). Cytogenetic location: 7q22.1.
Variant type: single nucleotide variant.
Coding change: c.623G>A on transcript NM_181552.4 (MANE Select); coding-DNA position 623, G replaced by A.
Protein change: p.Arg208Gln; replaces arginine 208 with glutamine.
Molecular consequence: missense variant.
Genome position (GRCh38, 1-based): chr7:102,115,222, G>A. VCF-style: chr7-102115222-G-A. GRCh37 (hg19) VCF-style: chr7-101758502-G-A.
Other names: c.656G>A, p.Arg219Gln (NM_001202543.2, NM_001913.5, NM_181500.4); c.608G>A, p.Arg203Gln (NM_001202544.3); c.518G>A, p.Arg173Gln (NM_001202545.3); c.545G>A, p.Arg182Gln (NM_001202546.3); short protein forms R173Q, R208Q, R203Q, R182Q, R219Q.
Identifiers: ClinVar variation 778330 (VCV000778330.31), dbSNP rs187519642, ClinGen allele CA4410543.

ClinVar aggregate classification (germline): Benign/Likely benign. Review status: criteria provided, multiple submitters, no conflicts (2 of 4 stars). 3 submissions from 3 submitters: Benign (1); Likely benign (1). 1 of the submissions does not count toward it. Last evaluated 2023-06-01.

Conditions:
CUX1-related disorder. Also called: CUX1-related condition.

Allele frequency attached by ClinVar (database versions not stated): ESP Exome Variant Server 0.00008; TOPMed 0.00016; 1000 Genomes Project 0.00040; ExAC 0.00044; gnomAD 0.00044 and 0.00045; gnomAD exomes 0.00046; 1000 Genomes Project 30x 0.00047.
gnomAD v4.1: 464 of 1,608,026 alleles (0.029%); highest among the groups gnomAD compares: Middle Eastern, 0.15%; 1 homozygote.

Submissions (3):

CeGaT Center for Human Genetics Tuebingen
Classification: Benign. Last evaluated: 2023-06-01. Review status: criteria provided, single submitter. Criteria: CeGaT Center For Human Genetics Tuebingen Variant Classification Criteria Version 2. Collection method: clinical testing. Allele origin: germline. Affected: yes. Observed: 2 variant alleles.
Comment: CUX1: BP4, BS1, BS2

Labcorp Genetics (formerly Invitae), Labcorp
Classification: Likely benign. Last evaluated: 2018-07-11. Review status: criteria provided, single submitter. Criteria: Invitae Variant Classification Sherloc (09022015). Collection method: clinical testing. Allele origin: germline.

PreventionGenetics, part of Exact Sciences
Classification: Likely benign for CUX1-related condition. Last evaluated: 2022-04-07. Review status: no assertion criteria provided. Collection method: clinical testing. Allele origin: germline. Not counted in ClinVar's aggregate classification.
Comment: This variant is classified as likely benign based on ACMG/AMP sequence variant interpretation guidelines (Richards et al. 2015 PMID: 25741868, with internal and published modifications).